The following is an entry in ClinVar:

NM_000141.5(FGFR2):c.2101G>T (p.Gly701Cys)

Gene: FGFR2 (fibroblast growth factor receptor 2; minus strand). Cytogenetic location: 10q26.13.
Variant type: single nucleotide variant.
Coding change: c.2101G>T on transcript NM_000141.5 (MANE Select); coding-DNA position 2101, G replaced by T.
Protein change: p.Gly701Cys; replaces glycine 701 with cysteine.
Molecular consequence: missense variant. On other transcripts: non-coding transcript variant (1).
Genome position (GRCh38, 1-based): chr10:121,485,489, C>A on the plus strand (G>T on the coding strand, the complement: FGFR2 is on the minus strand). VCF-style: chr10-121485489-C-A. GRCh37 (hg19) VCF-style: chr10-123245003-C-A.
Other names: c.2104G>T, p.Gly702Cys (NM_001144913.1, NM_022970.4); c.1765G>T, p.Gly589Cys (NM_001144914.1); c.1834G>T, p.Gly612Cys (NM_001144915.2, NM_023029.3); c.1756G>T, p.Gly586Cys (NM_001144916.2); c.1753G>T, p.Gly585Cys (NM_001144917.2); c.1750G>T, p.Gly584Cys (NM_001144918.2); c.1837G>T, p.Gly613Cys (NM_001144919.2); c.1417G>T, p.Gly473Cys (NM_001320654.2); and 1 more; short protein forms G473C, G584C, G585C, G586C, G589C, G612C, G613C, G699C.
Identifiers: ClinVar variation 3252545 (VCV003252545.1), dbSNP rs2133798898.

ClinVar aggregate classification (germline): Uncertain significance (1 of 4 stars; one submission).

Submission:

GeneDx
Classification: Uncertain significance. Last evaluated: 2023-06-12. Review status: criteria provided, single submitter. Criteria: GeneDx Variant Classification Process June 2021. Collection method: clinical testing. Allele origin: germline. Affected: yes.
Comment: Not observed at significant frequency in large population cohorts (gnomAD); In silico analysis supports that this missense variant has a deleterious effect on protein structure/function; Has not been previously published as pathogenic or benign to our knowledge